The following is an entry in ClinVar:

NM_000321.3(RB1):c.1224A>G (p.Thr408=)

Gene: RB1 (RB transcriptional corepressor 1; plus strand). Cytogenetic location: 13q14.2.
Variant type: single nucleotide variant.
Coding change: c.1224A>G on transcript NM_000321.3 (MANE Select); coding-DNA position 1224, A replaced by G.
Protein change: p.Thr408=; no amino-acid change (threonine 408 retained).
Molecular consequence: synonymous variant.
Genome position (GRCh38, 1-based): chr13:48,376,926, A>G. VCF-style: chr13-48376926-A-G. GRCh37 (hg19) VCF-style: chr13-48951062-A-G.
Identifiers: ClinVar variation 707529 (VCV000707529.18), dbSNP rs371805499, ClinGen allele CA249280042.

ClinVar aggregate classification (germline): Benign/Likely benign. Review status: criteria provided, multiple submitters, no conflicts (2 of 4 stars). 5 submissions from 5 submitters: Benign (1); Likely benign (4). Last evaluated 2026-06-24.

Conditions:
Hereditary cancer-predisposing syndrome. Also called: Hereditary Cancer Syndrome; Hereditary neoplastic syndrome; Neoplastic Syndromes, Hereditary; Tumor predisposition. Identifiers: Orphanet 140162, MedGen C0027672, MeSH D009386, MONDO:0015356.
Retinoblastoma (RB1). Also called: RETINOBLASTOMA, SOMATIC. Identifiers: Orphanet 790, MedGen C0035335, MeSH D012175, MONDO:0008380, OMIM 180200, HP:0009919. Disease mechanism: loss of function. Inheritance: Both sporadic and heritable forms are tested..

Allele frequency attached by ClinVar (database versions not stated): ESP Exome Variant Server 0.00008; TOPMed 0.00004.
gnomAD v4.1: 21 of 1,613,574 alleles (0.0013%); highest among the groups gnomAD compares: African/African-American, 0.028%; no homozygotes.

Submissions (5):

Myriad Genetics, Inc.
Classification: Benign for Retinoblastoma. Last evaluated: 2026-06-24. Review status: criteria provided, single submitter. Criteria: Myriad Autosomal Dominant, Autosomal Recessive and X-Linked Classification Criteria (2023). Collection method: clinical testing. Allele origin: unknown.
Comment: This variant is considered benign. This variant is a silent/synonymous amino acid change and it is not expected to impact splicing.

Labcorp Genetics (formerly Invitae), Labcorp
Classification: Likely benign for Retinoblastoma. Last evaluated: 2025-10-30. Review status: criteria provided, single submitter. Criteria: Invitae Variant Classification Sherloc (09022015). Collection method: clinical testing. Allele origin: germline.

All of Us Research Program, National Institutes of Health
Classification: Likely benign for Retinoblastoma. Last evaluated: 2023-12-13. Review status: criteria provided, single submitter. Criteria: ACMG Guidelines, 2015. Collection method: clinical testing. Allele origin: germline. Inheritance: Autosomal dominant inheritance. Observed: 2 variant alleles, 2 heterozygotes.
Comment: This study involves interpretation of variants in research participants for the purpose of population health screening. Participant phenotype was not available at the time of variant classification. Additional details can be found in publication PMID: 35346344, PMCID: PMC8962531

Color Diagnostics, LLC DBA Color Health
Classification: Likely benign for Retinoblastoma. Last evaluated: 2022-04-28. Review status: criteria provided, single submitter. Criteria: ACMG Guidelines, 2015. Collection method: clinical testing. Allele origin: germline.

Ambry Genetics
Classification: Likely benign for Hereditary cancer-predisposing syndrome. Last evaluated: 2017-10-13. Review status: criteria provided, single submitter. Criteria: Ambry Variant Classification Scheme 2023. Collection method: clinical testing. Allele origin: germline.